The following is an entry in ClinVar:

ClinVar aggregate classification (germline): Uncertain significance. Review status: criteria provided, multiple submitters, no conflicts (2 of 4 stars). 2 submissions from 2 submitters: Uncertain significance (2). Last evaluated 2025-06-01.

Conditions:
Arrhythmogenic right ventricular dysplasia 8 (ARVD8). Also called: ARRHYTHMOGENIC RIGHT VENTRICULAR DYSPLASIA, FAMILIAL, 8; ARRHYTHMOGENIC RIGHT VENTRICULAR CARDIOMYOPATHY 8; Arrhythmogenic Right Ventricular Dysplasia/Cardiomyopathy 8. Identifiers: MedGen C1843896, MONDO:0011831, OMIM 607450.
Arrhythmogenic cardiomyopathy with wooly hair and keratoderma. Also called: PALMOPLANTAR KERATODERMA WITH LEFT VENTRICULAR CARDIOMYOPATHY AND WOOLLY HAIR; Carvajal syndrome; Dilated cardiomyopathy with woolly hair and keratoderma; Arrhythmogenic cardiomyopathy with woolly hair and keratoderma. Identifiers: Orphanet 65282, MedGen C1854063, MONDO:0011581, OMIM 605676.

Submissions (2):

Labcorp Genetics (formerly Invitae), Labcorp
Classification: Uncertain significance for Arrhythmogenic cardiomyopathy with wooly hair and keratoderma; Arrhythmogenic right ventricular dysplasia 8. Last evaluated: 2025-06-01. Review status: criteria provided, single submitter. Criteria: Invitae Variant Classification Sherloc (09022015). Collection method: clinical testing. Allele origin: germline.
Comment: This sequence change replaces leucine, which is neutral and non-polar, with glutamine, which is neutral and polar, at codon 972 of the DSP protein (p.Leu972Gln). This variant is not present in population databases (gnomAD no frequency). This variant has not been reported in the literature in individuals affected with DSP-related conditions. ClinVar contains an entry for this variant (Variation ID: 3075443). An algorithm developed to predict the effect of missense changes on protein structure and function (PolyPhen-2) suggests that this variant is likely to be disruptive. In summary, the available evidence is currently insufficient to determine the role of this variant in disease. Therefore, it has been classified as a Variant of Uncertain Significance.

All of Us Research Program, National Institutes of Health
Classification: Uncertain significance for Arrhythmogenic cardiomyopathy with wooly hair and keratoderma. Last evaluated: 2024-02-05. Review status: criteria provided, single submitter. Criteria: ACMG Guidelines, 2015. Collection method: clinical testing. Allele origin: germline. Inheritance: Autosomal dominant inheritance. Observed: 1 variant allele, 1 heterozygote.
Comment: This missense variant replaces leucine with glutamine at codon 972 of the DSP protein. Computational prediction suggests that this variant may have deleterious impact on protein structure and function (internally defined REVEL score threshold >= 0.7, PMID: 27666373). To our knowledge, functional studies have not been reported for this variant. This variant has not been reported in individuals affected with DSP-related disorders in the literature. This variant has not been identified in the general population by the Genome Aggregation Database (gnomAD). The available evidence is insufficient to determine the role of this variant in disease conclusively. Therefore, this variant is classified as a Variant of Uncertain Significance.

This study involves interpretation of variants in research participants for the purpose of population health screening. Participant phenotype was not available at the time of variant classification. Additional details can be found in publication PMID: 35346344, PMCID: PMC8962531

NM_004415.4(DSP):c.2915T>A (p.Leu972Gln)

Gene: DSP (desmoplakin; plus strand). Cytogenetic location: 6p24.3.
Variant type: single nucleotide variant.
Coding change: c.2915T>A on transcript NM_004415.4 (MANE Select); coding-DNA position 2915, T replaced by A.
Protein change: p.Leu972Gln; replaces leucine 972 with glutamine.
Molecular consequence: missense variant.
Genome position (GRCh38, 1-based): chr6:7,577,816, T>A. VCF-style: chr6-7577816-T-A. GRCh37 (hg19) VCF-style: chr6-7578049-T-A.
Other names: c.2915T>A, p.Leu972Gln (NM_001008844.3, NM_001319034.2); short protein forms L972Q.
Identifiers: ClinVar variation 3075443 (VCV003075443.2), dbSNP rs2533917185, ClinGen allele CA362682431.
Genomic context (GRCh38, chr6:7,577,816, plus strand): 5'-TCTTAAACTTCATTATGCTGCAGGATTATGAGCTCCAGCTGGCCTCATACACCTCAGGAC[T>A]GGAAACTCTGCTGAACATACCTATCAAGAGGACCATGATTCAGTCCCCTTCTGGGGTGAT-3'
Protein context (NP_004406.2, residues 962-982): ELQLASYTSG[Leu972Gln]ETLLNIPIKR